The following is an entry in ClinVar:

NM_000059.4(BRCA2):c.8902A>T (p.Thr2968Ser)

Gene: BRCA2 (BRCA2 DNA repair associated; plus strand). Cytogenetic location: 13q13.1.
Variant type: single nucleotide variant.
Coding change: c.8902A>T on transcript NM_000059.4 (MANE Select); coding-DNA position 8902, A replaced by T.
Protein change: p.Thr2968Ser; replaces threonine 2968 with serine.
Molecular consequence: missense variant.
Genome position (GRCh38, 1-based): chr13:32,379,464, A>T. VCF-style: chr13-32379464-A-T. GRCh37 (hg19) VCF-style: chr13-32953601-A-T.
Other names: c.8806A>T, p.Thr2936Ser (NM_001406719.1); c.8902A>T, p.Thr2968Ser (NM_001406720.1); c.3970A>T, p.Thr1324Ser (NM_001406721.1); c.2485A>T, p.Thr829Ser (NM_001406722.1); short protein forms T2968S, T1324S, T2936S, T829S.
Identifiers: ClinVar variation 1765061 (VCV001765061.2), dbSNP rs587782021, ClinGen allele CA387757229.

ClinVar aggregate classification (germline): Uncertain significance (1 of 4 stars; one submission).

Conditions:
Hereditary cancer-predisposing syndrome. Also called: Neoplastic Syndromes, Hereditary; Tumor predisposition; Hereditary Cancer Syndrome; Hereditary neoplastic syndrome. Identifiers: Orphanet 140162, MedGen C0027672, MeSH D009386, MONDO:0015356.

Submission:

Ambry Genetics
Classification: Uncertain significance for Hereditary cancer-predisposing syndrome. Last evaluated: 2022-08-28. Review status: criteria provided, single submitter. Criteria: Ambry Variant Classification Scheme 2023. Collection method: clinical testing. Allele origin: germline.
Comment: The p.T2968S variant (also known as c.8902A>T), located in coding exon 21 of the BRCA2 gene, results from an A to T substitution at nucleotide position 8902. The threonine at codon 2968 is replaced by serine, an amino acid with similar properties. This amino acid position is conserved. In addition, this alteration is predicted to be tolerated by in silico analysis. Since supporting evidence is limited at this time, the clinical significance of this alteration remains unclear.